The following is an entry in ClinVar:

ClinVar aggregate classification (germline): Uncertain significance. Review status: criteria provided, multiple submitters, no conflicts (2 of 4 stars). 2 submissions from 2 submitters: Uncertain significance (2). Last evaluated 2025-05-19.

Conditions:
Hereditary cancer-predisposing syndrome. Also called: Tumor predisposition; Hereditary neoplastic syndrome; Hereditary Cancer Syndrome; Neoplastic Syndromes, Hereditary. Identifiers: Orphanet 140162, MedGen C0027672, MeSH D009386, MONDO:0015356.

Allele frequency attached by ClinVar (database versions not stated): gnomAD 0.00001; gnomAD exomes 0.00001.
gnomAD v4.1: 11 of 1,614,080 alleles (0.00068%); highest among the groups gnomAD compares: Non-Finnish European, 0.00076%; no homozygotes.

Submissions (2):

Labcorp Genetics (formerly Invitae), Labcorp
Classification: Uncertain significance. Last evaluated: 2025-05-19. Review status: criteria provided, single submitter. Criteria: Invitae Variant Classification Sherloc (09022015). Collection method: clinical testing. Allele origin: germline.
Comment: This sequence change replaces glutamic acid, which is acidic and polar, with lysine, which is basic and polar, at codon 767 of the POLE protein (p.Glu767Lys). This variant is not present in population databases (gnomAD no frequency). This variant has not been reported in the literature in individuals affected with POLE-related conditions. ClinVar contains an entry for this variant (Variation ID: 578063). Invitae Evidence Modeling of protein sequence and biophysical properties (such as structural, functional, and spatial information, amino acid conservation, physicochemical variation, residue mobility, and thermodynamic stability) indicates that this missense variant is not expected to disrupt POLE protein function with a negative predictive value of 80%. In summary, the available evidence is currently insufficient to determine the role of this variant in disease. Therefore, it has been classified as a Variant of Uncertain Significance.

Ambry Genetics
Classification: Uncertain significance for Hereditary cancer-predisposing syndrome. Last evaluated: 2025-01-19. Review status: criteria provided, single submitter. Criteria: Ambry Variant Classification Scheme 2023. Collection method: clinical testing. Allele origin: germline.
Comment: The p.E767K variant (also known as c.2299G>A), located in coding exon 20 of the POLE gene, results from a G to A substitution at nucleotide position 2299. The glutamic acid at codon 767 is replaced by lysine, an amino acid with similar properties. This amino acid position is highly conserved in available vertebrate species. In addition, the in silico prediction for this alteration is inconclusive. Based on the available evidence, the clinical significance of this variant remains unclear.

NM_006231.4(POLE):c.2299G>A (p.Glu767Lys)

Gene: POLE (DNA polymerase epsilon, catalytic subunit; minus strand). Cytogenetic location: 12q24.33.
Variant type: single nucleotide variant.
Coding change: c.2299G>A on transcript NM_006231.4 (MANE Select); coding-DNA position 2299, G replaced by A.
Protein change: p.Glu767Lys; replaces glutamic acid 767 with lysine.
Molecular consequence: missense variant.
Genome position (GRCh38, 1-based): chr12:132,667,523, C>T on the plus strand (G>A on the coding strand, the complement: POLE is on the minus strand). VCF-style: chr12-132667523-C-T. GRCh37 (hg19) VCF-style: chr12-133244109-C-T.
Other names: short protein forms E767K.
Identifiers: ClinVar variation 578063 (VCV000578063.13), dbSNP rs1565964543, ClinGen allele CA387352112.